The following is an entry in ClinVar:

ClinVar aggregate classification (germline): Uncertain significance (1 of 4 stars; one submission).

gnomAD v4.1: 3 of 1,613,748 alleles (0.00019%); highest among the groups gnomAD compares: Non-Finnish European, 0.00025%; no homozygotes.

Submission:

CeGaT Center for Human Genetics Tuebingen
Classification: Uncertain significance. Last evaluated: 2022-10-01. Review status: criteria provided, single submitter. Criteria: CeGaT Center For Human Genetics Tuebingen Variant Classification Criteria Version 2. Collection method: clinical testing. Allele origin: germline. Affected: yes. Observed: 1 variant allele.
Comment: ERCC6L2: PM2

NM_020207.7(ERCC6L2):c.301T>C (p.Ser101Pro)

Gene: ERCC6L2 (ERCC excision repair 6 like 2; plus strand). Cytogenetic location: 9q22.32.
Variant type: single nucleotide variant.
Coding change: c.301T>C on transcript NM_020207.7 (MANE Select); coding-DNA position 301, T replaced by C.
Protein change: p.Ser101Pro; replaces serine 101 with proline.
Molecular consequence: missense variant. On other transcripts: non-coding transcript variant (1).
Genome position (GRCh38, 1-based): chr9:95,881,123, T>C. VCF-style: chr9-95881123-T-C. GRCh37 (hg19) VCF-style: chr9-98643405-T-C.
Other names: c.301T>C, p.Ser101Pro (NM_001010895.4, NM_001375291.1, NM_001375292.1 and 2 more transcripts); short protein forms S101P.
Identifiers: ClinVar variation 2659325 (VCV002659325.24), dbSNP rs763229325, ClinGen allele CA374117487.